The following is an entry in ClinVar:

ClinVar aggregate classification (germline): Uncertain significance. Review status: criteria provided, multiple submitters, no conflicts (2 of 4 stars). 3 submissions from 3 submitters: Uncertain significance (3). Last evaluated 2025-04-09.

Conditions:
Familial adenomatous polyposis 1 (FAP1). Also called: POLYPOSIS, ADENOMATOUS INTESTINAL; FAMILIAL ADENOMATOUS POLYPOSIS 1, ATTENUATED. Identifiers: MedGen C2713442, MONDO:0021056, OMIM 175100. Disease mechanism: loss of function.
Hereditary cancer-predisposing syndrome. Also called: Hereditary Cancer Syndrome; Neoplastic Syndromes, Hereditary; Tumor predisposition; Hereditary neoplastic syndrome. Identifiers: Orphanet 140162, MedGen C0027672, MeSH D009386, MONDO:0015356.

Allele frequency attached by ClinVar (database versions not stated): gnomAD exomes below 0.00001; TOPMed below 0.00001.
gnomAD v4.1: 1 of 1,614,002 alleles (0.000062%); highest among the groups gnomAD compares: African/African-American, 0.0013%; no homozygotes.

Submissions (3):

Ambry Genetics
Classification: Uncertain significance for Hereditary cancer-predisposing syndrome. Last evaluated: 2025-04-09. Review status: criteria provided, single submitter. Criteria: Ambry Variant Classification Scheme 2023. Collection method: clinical testing. Allele origin: germline.
Comment: The p.I1723M variant (also known as c.5169T>G), located in coding exon 15 of the APC gene, results from a T to G substitution at nucleotide position 5169. The isoleucine at codon 1723 is replaced by methionine, an amino acid with highly similar properties. This amino acid position is highly conserved in available vertebrate species. In addition, in silico predictors for this gene do not accurately predict pathogenicity. Missense alterations in APC are not a common cause of disease (Spier I et al. Genet Med. 2024 Feb;26(2):100992). Based on the available evidence, the clinical significance of this variant remains unclear.

Labcorp Genetics (formerly Invitae), Labcorp
Classification: Uncertain significance for Familial adenomatous polyposis 1. Last evaluated: 2024-12-04. Review status: criteria provided, single submitter. Criteria: Invitae Variant Classification Sherloc (09022015). Collection method: clinical testing. Allele origin: germline.
Comment: This sequence change replaces isoleucine, which is neutral and non-polar, with methionine, which is neutral and non-polar, at codon 1723 of the APC protein (p.Ile1723Met). This variant is not present in population databases (gnomAD no frequency). This variant has not been reported in the literature in individuals affected with APC-related conditions. ClinVar contains an entry for this variant (Variation ID: 490294). Invitae Evidence Modeling of protein sequence and biophysical properties (such as structural, functional, and spatial information, amino acid conservation, physicochemical variation, residue mobility, and thermodynamic stability) indicates that this missense variant is not expected to disrupt APC protein function with a negative predictive value of 95%. In summary, the available evidence is currently insufficient to determine the role of this variant in disease. Therefore, it has been classified as a Variant of Uncertain Significance.

Color Diagnostics, LLC DBA Color Health
Classification: Uncertain significance for Hereditary cancer-predisposing syndrome. Last evaluated: 2023-12-04. Review status: criteria provided, single submitter. Criteria: ACMG Guidelines, 2015. Collection method: clinical testing. Allele origin: germline.
Comment: This missense variant replaces isoleucine with methionine at codon 1723 of the APC protein. Computational prediction is inconclusive regarding the impact of this variant on protein structure and function (internally defined REVEL score threshold 0.5 < inconclusive < 0.7, PMID: 27666373). To our knowledge, functional studies have not been reported for this variant. This variant has not been reported in individuals affected with APC-related disorders in the literature. This variant has not been identified in the general population by the Genome Aggregation Database (gnomAD). The available evidence is insufficient to determine the role of this variant in disease conclusively. Therefore, this variant is classified as a Variant of Uncertain Significance.

NM_000038.6(APC):c.5169T>G (p.Ile1723Met)

Gene: APC (APC regulator of Wnt signaling pathway; plus strand). Cytogenetic location: 5q22.2.
Variant type: single nucleotide variant.
Coding change: c.5169T>G on transcript NM_000038.6 (MANE Select); coding-DNA position 5169, T replaced by G.
Protein change: p.Ile1723Met; replaces isoleucine 1723 with methionine.
Molecular consequence: missense variant.
Genome position (GRCh38, 1-based): chr5:112,840,763, T>G. VCF-style: chr5-112840763-T-G. GRCh37 (hg19) VCF-style: chr5-112176460-T-G.
Other names: c.5169T>G, p.Ile1723Met (NM_001127510.3, NM_001354895.2); c.5115T>G, p.Ile1705Met (NM_001127511.3); c.5223T>G, p.Ile1741Met (NM_001354896.2); c.5199T>G, p.Ile1733Met (NM_001354897.2); c.5094T>G, p.Ile1698Met (NM_001354898.2); c.5085T>G, p.Ile1695Met (NM_001354899.2); c.5046T>G, p.Ile1682Met (NM_001354900.2); c.4992T>G, p.Ile1664Met (NM_001354901.2); and 5 more; short protein forms I1705M, I1723M, I1440M, I1597M, I1664M, I1682M, I1563M, I1622M.
Identifiers: ClinVar variation 490294 (VCV000490294.19), dbSNP rs1554086490, ClinGen allele CA16032631.